The following is an entry in ClinVar:

ClinVar aggregate classification (germline): Conflicting classifications of pathogenicity. Review status: criteria provided, conflicting classifications (1 of 4 stars). 4 submissions from 4 submitters: Uncertain significance (2); Likely benign (1). 1 of the submissions does not count toward it. Last evaluated 2025-05-15.

Conditions:
Hereditary cancer-predisposing syndrome. Also called: Neoplastic Syndromes, Hereditary; Tumor predisposition; Hereditary neoplastic syndrome; Hereditary Cancer Syndrome. Identifiers: Orphanet 140162, MedGen C0027672, MeSH D009386, MONDO:0015356.
Hereditary breast ovarian cancer syndrome. Also called: Hereditary breast and ovarian cancer syndrome; Hereditary breast and ovarian cancer; Hereditary breast and ovarian cancer syndrome (HBOC); Breast and ovarian cancer; Hereditary breast and/or ovarian cancer syndrome; BRCA1- and BRCA2-Associated Hereditary Breast and Ovarian Cancer. Identifiers: Orphanet 145, MedGen C0677776, MeSH D061325, MONDO:0003582. Disease mechanism: loss of function.
Breast-ovarian cancer, familial, susceptibility to, 2 (BROVCA2). Also called: BRCA2 Hereditary Breast and Ovarian Cancer. Identifiers: Orphanet 145, MedGen C2675520, MONDO:0012933, OMIM 612555. Disease mechanism: loss of function.

gnomAD v4.1: 1 of 1,614,000 alleles (0.000062%); highest among the groups gnomAD compares: Non-Finnish European, 0.000085%; no homozygotes.

Submissions (4):

Ambry Genetics
Classification: Likely benign for Hereditary cancer-predisposing syndrome. Last evaluated: 2025-05-15. Review status: criteria provided, single submitter. Criteria: Ambry Variant Classification Scheme 2023. Collection method: clinical testing. Allele origin: germline.

Labcorp Genetics (formerly Invitae), Labcorp
Classification: Uncertain significance for Hereditary breast ovarian cancer syndrome. Last evaluated: 2025-01-01. Review status: criteria provided, single submitter. Criteria: Invitae Variant Classification Sherloc (09022015). Collection method: clinical testing. Allele origin: germline.
Comment: This sequence change replaces proline, which is neutral and non-polar, with histidine, which is basic and polar, at codon 3054 of the BRCA2 protein (p.Pro3054His). This variant is not present in population databases (gnomAD no frequency). This variant has not been reported in the literature in individuals affected with BRCA2-related conditions. ClinVar contains an entry for this variant (Variation ID: 52765). Invitae Evidence Modeling of protein sequence and biophysical properties (such as structural, functional, and spatial information, amino acid conservation, physicochemical variation, residue mobility, and thermodynamic stability) indicates that this missense variant is not expected to disrupt BRCA2 protein function with a negative predictive value of 95%. In summary, the available evidence is currently insufficient to determine the role of this variant in disease. Therefore, it has been classified as a Variant of Uncertain Significance.

Color Diagnostics, LLC DBA Color Health
Classification: Uncertain significance for Hereditary cancer-predisposing syndrome. Last evaluated: 2021-09-07. Review status: criteria provided, single submitter. Criteria: ACMG Guidelines, 2015. Collection method: clinical testing. Allele origin: germline.
Comment: This missense variant replaces proline with histidine at codon 3054 of the BRCA2 protein. Computational prediction is inconclusive regarding the impact of this variant on protein structure and function (internally defined REVEL score threshold 0.5 < inconclusive < 0.7, PMID: 27666373). To our knowledge, functional studies have not been reported for this variant. This variant has not been reported in individuals affected with hereditary cancer in the literature. This variant has not been identified in the general population by the Genome Aggregation Database (gnomAD). The available evidence is insufficient to determine the role of this variant in disease conclusively. Therefore, this variant is classified as a Variant of Uncertain Significance.

Breast Cancer Information Core (BIC) (BRCA2)
Classification: Uncertain significance for Breast-ovarian cancer, familial 2. Last evaluated: 2002-05-29. Review status: no assertion criteria provided. Collection method: clinical testing. Allele origin: germline. Affected: yes. Observed: 1 variant allele. Not counted in ClinVar's aggregate classification.

NM_000059.4(BRCA2):c.9161C>A (p.Pro3054His)

Gene: BRCA2 (BRCA2 DNA repair associated; plus strand). Cytogenetic location: 13q13.1.
Variant type: single nucleotide variant.
Coding change: c.9161C>A on transcript NM_000059.4 (MANE Select); coding-DNA position 9161, C replaced by A.
Protein change: p.Pro3054His; replaces proline 3054 with histidine.
Molecular consequence: missense variant.
Genome position (GRCh38, 1-based): chr13:32,380,050, C>A. VCF-style: chr13-32380050-C-A. GRCh37 (hg19) VCF-style: chr13-32954187-C-A.
Other names: short protein forms P3054H.
Identifiers: ClinVar variation 52765 (VCV000052765.11), dbSNP rs80359172, ClinGen allele CA026010.
Genomic context (GRCh38, chr13:32,380,050, plus strand): 5'-TGTTTTGTTTTCTGTAGGTTTCAGATGAAATTTTATTTCAGATTTACCAGCCACGGGAGC[C>A]CCTTCACTTCAGCAAATTTTTAGATCCAGACTTTCAGCCATCTTGTTCTGAGGTGGACCT-3'
Protein context (NP_000050.3, residues 3044-3064): ILFQIYQPRE[Pro3054His]LHFSKFLDPD